The following is an entry in ClinVar:

ClinVar aggregate classification (germline): Pathogenic (1 of 4 stars; one submission).

Conditions:
Tumor predisposition syndrome 3 (TPDS3). Also called: Melanoma, cutaneous malignant, susceptibility to, 10; Glioma susceptibility 9; LONG TELOMERE SYNDROME, POT1-RELATED; POT1 Tumor Predisposition. Identifiers: Orphanet 618, MedGen C4014476, MONDO:0014368, OMIM 615848.

Submission:

Labcorp Genetics (formerly Invitae), Labcorp
Classification: Pathogenic for Tumor predisposition syndrome 3. Last evaluated: 2026-01-07. Review status: criteria provided, single submitter. Criteria: Invitae Variant Classification Sherloc (09022015). Collection method: clinical testing. Allele origin: germline.
Comment: This sequence change creates a premature translational stop signal (p.Ser45*) in the POT1 gene. It is expected to result in an absent or disrupted protein product. Loss-of-function variants in POT1 are known to be pathogenic (PMID: 32155570). This variant is not present in population databases (gnomAD no frequency). This variant has not been reported in the literature in individuals affected with POT1-related conditions. For these reasons, this variant has been classified as Pathogenic.

Literature cited by the submitters: PubMed 32155570.

NM_015450.3(POT1):c.134C>G (p.Ser45Ter)

Gene: POT1 (protection of telomeres 1; minus strand). Cytogenetic location: 7q31.33.
Variant type: single nucleotide variant.
Coding change: c.134C>G on transcript NM_015450.3 (MANE Select); coding-DNA position 134, C replaced by G.
Protein change: p.Ser45Ter; replaces serine 45 with a stop codon.
Molecular consequence: nonsense. On other transcripts: non-coding transcript variant (3), intron variant (1).
Genome position (GRCh38, 1-based): chr7:124,871,032, G>C on the plus strand (C>G on the coding strand, the complement: POT1 is on the minus strand). VCF-style: chr7-124871032-G-C. GRCh37 (hg19) VCF-style: chr7-124511086-G-C.
Other names: c.-138-7392C>G (NM_001042594.2); short protein forms S45*.
Identifiers: ClinVar variation 4691783 (VCV004691783.1).